The following is an entry in ClinVar:

NM_017763.6(RNF43):c.2214T>A (p.His738Gln)

Gene: RNF43 (ring finger protein 43; minus strand). Cytogenetic location: 17q22.
Variant type: single nucleotide variant.
Coding change: c.2214T>A on transcript NM_017763.6 (MANE Select); coding-DNA position 2214, T replaced by A.
Protein change: p.His738Gln; replaces histidine 738 with glutamine.
Molecular consequence: missense variant.
Genome position (GRCh38, 1-based): chr17:58,357,562, A>T on the plus strand (T>A on the coding strand, the complement: RNF43 is on the minus strand). VCF-style: chr17-58357562-A-T. GRCh37 (hg19) VCF-style: chr17-56434923-A-T.
Other names: c.2214T>A, p.His738Gln (NM_001305544.3, NM_001438820.1, NM_001438821.1 and 1 more transcripts); c.1833T>A, p.His611Gln (NM_001305545.2, NM_001437987.1); short protein forms H738Q, H611Q.
Identifiers: ClinVar variation 4155818 (VCV004155818.1).

ClinVar aggregate classification (germline): Uncertain significance (1 of 4 stars; one submission).

gnomAD v4.1: 1 of 1,614,164 alleles (0.000062%); highest among the groups gnomAD compares: Non-Finnish European, 0.000085%; no homozygotes.

Submission:

Ambry Genetics
Classification: Uncertain significance. Last evaluated: 2025-09-14. Review status: criteria provided, single submitter. Criteria: Ambry Variant Classification Scheme 2023. Collection method: clinical testing. Allele origin: germline.
Comment: The p.H738Q variant (also known as c.2214T>A), located in coding exon 8 of the RNF43 gene, results from a T to A substitution at nucleotide position 2214. The histidine at codon 738 is replaced by glutamine, an amino acid with highly similar properties. This amino acid position is conserved. In addition, this alteration is predicted to be tolerated by in silico analysis. Based on the available evidence, the clinical significance of this variant remains unclear.